The following is an entry in ClinVar:

NM_005120.3(MED12):c.1769G>T (p.Arg590Leu)

Gene: MED12 (mediator complex subunit 12; plus strand). Cytogenetic location: Xq13.1.
Variant type: single nucleotide variant.
Coding change: c.1769G>T on transcript NM_005120.3 (MANE Select); coding-DNA position 1769, G replaced by T.
Protein change: p.Arg590Leu; replaces arginine 590 with leucine.
Molecular consequence: missense variant.
Genome position (GRCh38, 1-based): chrX:71,124,183, G>T. VCF-style: chrX-71124183-G-T. GRCh37 (hg19) VCF-style: chrX-70344033-G-T.
Other names: short protein forms R590L.
Identifiers: ClinVar variation 2692768 (VCV002692768.3), dbSNP rs2519675209, ClinGen allele CA413508958.
Genomic context (GRCh38, chrX:71,124,183, plus strand): 5'-TCTCCTAACTTATGTTTCCTCATTCCCTTCCTCCAGCGGACCCTCGAAGTGAGAGTGAGC[G>T]GGTGGAATTCTTTAACTTAGTACTGCTGTTCTGTGAACTGATTCGACATGATGTTTTCTC-3'
Protein context (NP_005111.2, residues 580-600): MLTDPRSESE[Arg590Leu]VEFFNLVLLF

ClinVar aggregate classification (germline): Uncertain significance (1 of 4 stars; one submission).

Conditions:
FG syndrome (FGS). Identifiers: MedGen C0220769, MONDO:0002010.

Submission:

Labcorp Genetics (formerly Invitae), Labcorp
Classification: Uncertain significance for FG syndrome. Last evaluated: 2023-11-02. Review status: criteria provided, single submitter. Criteria: Invitae Variant Classification Sherloc (09022015). Collection method: clinical testing. Allele origin: germline.
Comment: This sequence change replaces arginine, which is basic and polar, with leucine, which is neutral and non-polar, at codon 590 of the MED12 protein (p.Arg590Leu). This variant is not present in population databases (gnomAD no frequency). This variant has not been reported in the literature in individuals affected with MED12-related conditions. Advanced modeling of protein sequence and biophysical properties (such as structural, functional, and spatial information, amino acid conservation, physicochemical variation, residue mobility, and thermodynamic stability) performed at Invitae indicates that this missense variant is not expected to disrupt MED12 protein function with a negative predictive value of 95%. In summary, the available evidence is currently insufficient to determine the role of this variant in disease. Therefore, it has been classified as a Variant of Uncertain Significance.